The following is an entry in ClinVar:

NM_004655.4(AXIN2):c.2478G>A (p.Thr826=)

Gene: AXIN2 (axin 2; minus strand). Cytogenetic location: 17q24.1.
Variant type: single nucleotide variant.
Coding change: c.2478G>A on transcript NM_004655.4 (MANE Select); coding-DNA position 2478, G replaced by A.
Protein change: p.Thr826=; no amino-acid change (threonine 826 retained).
Molecular consequence: synonymous variant.
Genome position (GRCh38, 1-based): chr17:65,530,030, C>T on the plus strand (G>A on the coding strand, the complement: AXIN2 is on the minus strand). VCF-style: chr17-65530030-C-T. GRCh37 (hg19) VCF-style: chr17-63526148-C-T.
Other names: c.2283G>A, p.Thr761= (NM_001363813.1); c.2478G>A (LRG_296t1).
Identifiers: ClinVar variation 464614 (VCV000464614.18), dbSNP rs148159432, ClinGen allele CA8718281.

ClinVar aggregate classification (germline): Benign/Likely benign. Review status: criteria provided, multiple submitters, no conflicts (2 of 4 stars). 6 submissions from 6 submitters: Benign (1); Likely benign (5). Last evaluated 2025-12-13.

Conditions:
Hereditary cancer-predisposing syndrome. Also called: Hereditary neoplastic syndrome; Neoplastic Syndromes, Hereditary; Hereditary Cancer Syndrome; Tumor predisposition. Identifiers: Orphanet 140162, MedGen C0027672, MeSH D009386, MONDO:0015356.
Oligodontia-cancer predisposition syndrome. Also called: TOOTH AGENESIS-COLORECTAL CANCER SYNDROME. Identifiers: Orphanet 300576, MedGen C1837750, MONDO:0012075, OMIM 608615. Disease mechanism: loss of function.

Allele frequency attached by ClinVar (database versions not stated): TOPMed 0.00002.
gnomAD v4.1: 21 of 1,614,088 alleles (0.0013%); highest among the groups gnomAD compares: East Asian, 0.0022%; no homozygotes.

Submissions (6):

Labcorp Genetics (formerly Invitae), Labcorp
Classification: Likely benign for Oligodontia-cancer predisposition syndrome. Last evaluated: 2025-12-13. Review status: criteria provided, single submitter. Criteria: Invitae Variant Classification Sherloc (09022015). Collection method: clinical testing. Allele origin: germline.

Quest Diagnostics Nichols Institute San Juan Capistrano
Classification: Likely benign. Last evaluated: 2025-06-05. Review status: criteria provided, single submitter. Criteria: Quest Diagnostics criteria. Collection method: clinical testing. Allele origin: unknown.

Myriad Genetics, Inc.
Classification: Benign for Oligodontia-cancer predisposition syndrome. Last evaluated: 2024-07-11. Review status: criteria provided, single submitter. Criteria: Myriad Autosomal Dominant, Autosomal Recessive and X-Linked Classification Criteria (2023). Collection method: clinical testing. Allele origin: unknown.
Comment: This variant is considered benign. This variant is a silent/synonymous amino acid change and it is not expected to impact splicing.

Blueprint Genetics
Classification: Likely benign. Last evaluated: 2023-01-31. Review status: criteria provided, single submitter. Criteria: ACMG Guidelines, 2015. Collection method: clinical testing. Allele origin: germline.

Sema4
Classification: Likely benign for Hereditary cancer-predisposing syndrome. Last evaluated: 2021-11-05. Review status: criteria provided, single submitter. Criteria: Sema4 Curation Guidelines. Collection method: curation. Allele origin: germline.

Ambry Genetics
Classification: Likely benign for Hereditary cancer-predisposing syndrome. Last evaluated: 2021-10-22. Review status: criteria provided, single submitter. Criteria: Ambry Variant Classification Scheme 2023. Collection method: clinical testing. Allele origin: germline.